The following is an entry in ClinVar:

NM_024649.5(BBS1):c.1294C>T (p.Arg432Trp)

Genes: BBS1 (Bardet-Biedl syndrome 1; plus strand), ZDHHC24 (zDHHC palmitoyltransferase 24; minus strand). Cytogenetic location: 11q13.2.
Variant type: single nucleotide variant.
Coding change: c.1294C>T on transcript NM_024649.5 (MANE Select); coding-DNA position 1294, C replaced by T.
Protein change: p.Arg432Trp; replaces arginine 432 with tryptophan.
Molecular consequence: missense variant. On other transcripts: intron variant (1).
Genome position (GRCh38, 1-based): chr11:66,526,762, C>T. VCF-style: chr11-66526762-C-T. GRCh37 (hg19) VCF-style: chr11-66294233-C-T.
Other names: c.*21+174G>A (NM_001348571.2); short protein forms R432W.
Identifiers: ClinVar variation 1440266 (VCV001440266.7), dbSNP rs767247916, ClinGen allele CA6123690.

ClinVar aggregate classification (germline): Uncertain significance. Review status: criteria provided, multiple submitters, no conflicts (2 of 4 stars). 2 submissions from 2 submitters: Uncertain significance (2). Last evaluated 2022-02-16.

Conditions:
Bardet-Biedl syndrome (BBS). Identifiers: Orphanet 110, MedGen C0752166, MONDO:0015229.
Bardet-Biedl syndrome 1 (BBS1). Identifiers: MedGen C2936862, MONDO:0008854, OMIM 209900. Disease mechanism: loss of function.

Allele frequency attached by ClinVar (database versions not stated): ExAC 0.00001; gnomAD 0.00001; gnomAD exomes below 0.00001; TOPMed 0.00001.
gnomAD v4.1: 8 of 1,614,124 alleles (0.0005%); highest among the groups gnomAD compares: African/African-American, 0.0013%; no homozygotes.

Submissions (2):

Fulgent Genetics
Classification: Uncertain significance for Bardet-Biedl syndrome 1. Last evaluated: 2022-02-16. Review status: criteria provided, single submitter. Criteria: ACMG Guidelines, 2015. Collection method: clinical testing. Allele origin: unknown.

Labcorp Genetics (formerly Invitae), Labcorp
Classification: Uncertain significance for Bardet-Biedl syndrome. Last evaluated: 2021-09-02. Review status: criteria provided, single submitter. Criteria: Invitae Variant Classification Sherloc (09022015). Collection method: clinical testing. Allele origin: germline.
Comment: This sequence change replaces arginine with tryptophan at codon 432 of the BBS1 protein (p.Arg432Trp). The arginine residue is weakly conserved and there is a moderate physicochemical difference between arginine and tryptophan. This variant is present in population databases (rs767247916, ExAC 0.001%). This variant has not been reported in the literature in individuals affected with BBS1-related conditions. Algorithms developed to predict the effect of missense changes on protein structure and function are either unavailable or do not agree on the potential impact of this missense change (SIFT: "Deleterious"; PolyPhen-2: "Possibly Damaging"; Align-GVGD: "Class C0"). In summary, the available evidence is currently insufficient to determine the role of this variant in disease. Therefore, it has been classified as a Variant of Uncertain Significance.